The following is an entry in ClinVar:

NM_004186.5(SEMA3F):c.380G>A (p.Arg127Gln)

Gene: SEMA3F (semaphorin 3F; plus strand). Cytogenetic location: 3p21.31.
Variant type: single nucleotide variant.
Coding change: c.380G>A on transcript NM_004186.5 (MANE Select); coding-DNA position 380, G replaced by A.
Protein change: p.Arg127Gln; replaces arginine 127 with glutamine.
Molecular consequence: missense variant.
Genome position (GRCh38, 1-based): chr3:50,174,274, G>A. VCF-style: chr3-50174274-G-A. GRCh37 (hg19) VCF-style: chr3-50211707-G-A.
Other names: c.176G>A, p.Arg59Gln (NM_001318798.2); c.380G>A, p.Arg127Gln (NM_001318800.2); c.380G>A (NM_004186.4); short protein forms R127Q, R59Q.
Identifiers: ClinVar variation 3159735 (VCV003159735.4), dbSNP rs752415195, ClinGen allele CA2411744.

ClinVar aggregate classification (germline): Uncertain significance. Review status: criteria provided, multiple submitters, no conflicts (2 of 4 stars). 2 submissions from 2 submitters: Uncertain significance (2). Last evaluated 2026-01-07.

Conditions:
SEMA3F-related disorder. Also called: SEMA3F-related condition.

Allele frequency attached by ClinVar (database versions not stated): TOPMed 0.00002; gnomAD exomes below 0.00001; ExAC 0.00001; gnomAD 0.00002.

Submissions (2):

PreventionGenetics, part of Exact Sciences
Classification: Uncertain significance for SEMA3F-related condition. Last evaluated: 2026-01-07. Review status: criteria provided, single submitter. Criteria: ACMG Guidelines, 2015. Collection method: clinical testing. Allele origin: germline.
Comment: The SEMA3F c.380G>A variant is predicted to result in the amino acid substitution p.Arg127Gln. To our knowledge, this variant has not been reported in the literature. This variant is reported in 0.0016% of alleles in individuals of European (non-Finnish) descent in gnomAD. At this time, the clinical significance of this variant is uncertain due to the absence of conclusive functional and genetic evidence.

Ambry Genetics
Classification: Uncertain significance. Last evaluated: 2025-04-03. Review status: criteria provided, single submitter. Criteria: Ambry Variant Classification Scheme 2023. Collection method: clinical testing. Allele origin: germline.